The following is an entry in ClinVar:

ClinVar aggregate classification (germline): Conflicting classifications of pathogenicity. Review status: criteria provided, conflicting classifications (1 of 4 stars). 2 submissions from 2 submitters: Uncertain significance (1); Likely benign (1). Last evaluated 2024-03-26.

Conditions:
Colorectal cancer, hereditary nonpolyposis, type 7. Identifiers: Orphanet 144, MedGen C1858380, MONDO:0013725, OMIM 614385.

Allele frequency attached by ClinVar (database versions not stated): TOPMed below 0.00001.

Submissions (2):

Ambry Genetics
Classification: Likely benign. Last evaluated: 2024-03-26. Review status: criteria provided, single submitter. Criteria: Ambry Variant Classification Scheme 2023. Collection method: clinical testing. Allele origin: germline.

Labcorp Genetics (formerly Invitae), Labcorp
Classification: Uncertain significance for Colorectal cancer, hereditary nonpolyposis, type 7. Last evaluated: 2020-10-09. Review status: criteria provided, single submitter. Criteria: Invitae Variant Classification Sherloc (09022015). Collection method: clinical testing. Allele origin: germline.
Comment: This variant has not been reported in the literature in individuals with MLH3-related conditions. This variant is not present in population databases (ExAC no frequency). This sequence change replaces threonine with isoleucine at codon 730 of the MLH3 protein (p.Thr730Ile). The threonine residue is weakly conserved and there is a moderate physicochemical difference between threonine and isoleucine. Algorithms developed to predict the effect of missense changes on protein structure and function output the following: SIFT: "Tolerated"; PolyPhen-2: "Benign"; Align-GVGD: "Class C0". The isoleucine amino acid residue is found in multiple mammalian species, suggesting that this missense change does not adversely affect protein function. These predictions have not been confirmed by published functional studies and their clinical significance is uncertain. In summary, the available evidence is currently insufficient to determine the role of this variant in disease. Therefore, it has been classified as a Variant of Uncertain Significance.

NM_001040108.2(MLH3):c.2189C>T (p.Thr730Ile)

Gene: MLH3 (mutL homolog 3; minus strand). Cytogenetic location: 14q24.3.
Variant type: single nucleotide variant.
Coding change: c.2189C>T on transcript NM_001040108.2 (MANE Select); coding-DNA position 2189, C replaced by T.
Protein change: p.Thr730Ile; replaces threonine 730 with isoleucine.
Molecular consequence: missense variant.
Genome position (GRCh38, 1-based): chr14:75,047,467, G>A on the plus strand (C>T on the coding strand, the complement: MLH3 is on the minus strand). VCF-style: chr14-75047467-G-A. GRCh37 (hg19) VCF-style: chr14-75514170-G-A.
Other names: c.2189C>T, p.Thr730Ile (NM_014381.3); short protein forms T730I.
Identifiers: ClinVar variation 1044541 (VCV001044541.11), dbSNP rs1892325359, ClinGen allele CA390441248.
Genomic context (GRCh38, chr14:75,047,467, plus strand): 5'-TGTGAACTCAAGCTTAGCTTCTTACGGACGATTGGTTTGGAGAAACCAATTAATTTATCT[G>A]TTTTCCTACTATCATTGGAAACGTGTCTATACCAGGGGAAAGAGGGGGATGTATCAGATA-3'
Protein context (NP_001035197.1, residues 720-740): YRHVSNDSRK[Thr730Ile]DKLIGFSKPI